The following is an entry in ClinVar:

NM_015450.3(POT1):c.205C>T (p.Leu69Phe)

Gene: POT1 (protection of telomeres 1; minus strand). Cytogenetic location: 7q31.33.
Variant type: single nucleotide variant.
Coding change: c.205C>T on transcript NM_015450.3 (MANE Select); coding-DNA position 205, C replaced by T.
Protein change: p.Leu69Phe; replaces leucine 69 with phenylalanine.
Molecular consequence: missense variant. On other transcripts: non-coding transcript variant (3), intron variant (1).
Genome position (GRCh38, 1-based): chr7:124,870,961, G>A on the plus strand (C>T on the coding strand, the complement: POT1 is on the minus strand). VCF-style: chr7-124870961-G-A. GRCh37 (hg19) VCF-style: chr7-124511015-G-A.
Other names: c.-138-7321C>T (NM_001042594.2); short protein forms L69F.
Identifiers: ClinVar variation 475070 (VCV000475070.14), dbSNP rs905571705, ClinGen allele CA166079887.

ClinVar aggregate classification (germline): Uncertain significance. Review status: criteria provided, multiple submitters, no conflicts (2 of 4 stars). 3 submissions from 3 submitters: Uncertain significance (3). Last evaluated 2025-11-17.

Conditions:
Tumor predisposition syndrome 3 (TPDS3). Also called: Glioma susceptibility 9; LONG TELOMERE SYNDROME, POT1-RELATED; POT1 Tumor Predisposition; Melanoma, cutaneous malignant, susceptibility to, 10. Identifiers: Orphanet 618, MedGen C4014476, MONDO:0014368, OMIM 615848.
Hereditary cancer-predisposing syndrome. Also called: Hereditary neoplastic syndrome; Hereditary Cancer Syndrome; Neoplastic Syndromes, Hereditary; Tumor predisposition. Identifiers: Orphanet 140162, MedGen C0027672, MeSH D009386, MONDO:0015356.

Allele frequency attached by ClinVar (database versions not stated): gnomAD exomes below 0.00001.

Submissions (3):

Labcorp Genetics (formerly Invitae), Labcorp
Classification: Uncertain significance for Tumor predisposition syndrome 3. Last evaluated: 2025-11-17. Review status: criteria provided, single submitter. Criteria: Invitae Variant Classification Sherloc (09022015). Collection method: clinical testing. Allele origin: germline.
Comment: This sequence change replaces leucine, which is neutral and non-polar, with phenylalanine, which is neutral and non-polar, at codon 69 of the POT1 protein (p.Leu69Phe). This variant is not present in population databases (gnomAD no frequency). This missense change has been observed in individual(s) with osteosarcoma (PMID: 32191290). ClinVar contains an entry for this variant (Variation ID: 475070). Invitae Evidence Modeling of protein sequence and biophysical properties (such as structural, functional, and spatial information, amino acid conservation, physicochemical variation, residue mobility, and thermodynamic stability) indicates that this missense variant is not expected to disrupt POT1 protein function with a negative predictive value of 80%. In summary, the available evidence is currently insufficient to determine the role of this variant in disease. Therefore, it has been classified as a Variant of Uncertain Significance.

Ambry Genetics
Classification: Uncertain significance for Hereditary cancer-predisposing syndrome. Last evaluated: 2023-01-27. Review status: criteria provided, single submitter. Criteria: Ambry Variant Classification Scheme 2023. Collection method: clinical testing. Allele origin: germline.
Comment: The p.L69F variant (also known as c.205C>T), located in coding exon 3 of the POT1 gene, results from a C to T substitution at nucleotide position 205. The leucine at codon 69 is replaced by phenylalanine, an amino acid with highly similar properties. This amino acid position is highly conserved in available vertebrate species. In addition, this alteration is predicted to be deleterious by in silico analysis. Since supporting evidence is limited at this time, the clinical significance of this alteration remains unclear.

Laboratorio de Genetica e Diagnostico Molecular, Hospital Israelita Albert Einstein
Classification: Uncertain significance for Tumor predisposition syndrome 3. Last evaluated: 2022-03-03. Review status: criteria provided, single submitter. Criteria: ACMG Guidelines, 2015. Collection method: clinical testing. Allele origin: germline. Affected: yes.
Comment: ACMG classification criteria: PM2

Literature cited by the submitters: PubMed 32191290 (cited by Labcorp Genetics (formerly Invitae), Labcorp).